The following is an entry in ClinVar:

ClinVar aggregate classification (germline): Conflicting classifications of pathogenicity. Review status: criteria provided, conflicting classifications (1 of 4 stars). 2 submissions from 2 submitters: Likely pathogenic (1); Uncertain significance (1). Last evaluated 2021-01-09.

Conditions:
Congenital anomaly of kidney and urinary tract. Also called: Congenital anomalies of kidney and urinary tract; Congenital anomalies of the kidney and urinary tract. Identifiers: Orphanet 93545, MedGen C1968949, MeSH C566906, MONDO:0019719.

Allele frequency attached by ClinVar (database versions not stated): gnomAD exomes below 0.00001.
gnomAD v4.1: 1 of 1,611,048 alleles (0.000062%); highest among the groups gnomAD compares: South Asian, 0.0011%; no homozygotes.

Submissions (2):

Institute of Human Genetics, University of Leipzig Medical Center
Classification: Likely pathogenic for Congenital anomaly of kidney and urinary tract. Last evaluated: 2021-01-09. Review status: criteria provided, single submitter. Criteria: ACMG Guidelines, 2015. Collection method: clinical testing. Allele origin: germline. Inheritance: Autosomal recessive inheritance. Affected: yes.

GeneDx
Classification: Uncertain significance. Last evaluated: 2019-04-18. Review status: criteria provided, single submitter. Criteria: GeneDx Variant Classification Process June 2021. Collection method: clinical testing. Allele origin: germline. Affected: yes.
Comment: Not observed in large population cohorts (Lek et al., 2016); Nonsense variant predicted to result in protein truncation or nonsense mediated decay in a gene for which loss-of-function is not a known mechanism of disease; Has not been previously published as pathogenic or benign to our knowledge; Variants in candidate genes are classified as variants of uncertain significance in accordance with ACMG guidelines (Richards et al., 2015)

NM_002941.4(ROBO1):c.2924G>A (p.Trp975Ter)

Gene: ROBO1 (roundabout guidance receptor 1; minus strand). Cytogenetic location: 3p12.3.
Variant type: single nucleotide variant.
Coding change: c.2924G>A on transcript NM_002941.4 (MANE Select); coding-DNA position 2924, G replaced by A.
Protein change: p.Trp975Ter; replaces tryptophan 975 with a stop codon.
Molecular consequence: nonsense.
Genome position (GRCh38, 1-based): chr3:78,639,857, C>T on the plus strand (G>A on the coding strand, the complement: ROBO1 is on the minus strand). VCF-style: chr3-78639857-C-T. GRCh37 (hg19) VCF-style: chr3-78689007-C-T.
Other names: c.2789G>A, p.Trp930Ter (NM_001145845.2, NM_133631.4); short protein forms W930*, W975*.
Identifiers: ClinVar variation 996099 (VCV000996099.3), dbSNP rs1705825244, ClinGen allele CA353654857.